The following is an entry in ClinVar:

NM_001009944.3(PKD1):c.11665G>T (p.Ala3889Ser)

Genes: PKD1 (polycystin 1, transient receptor potential channel interacting; minus strand), PKD1-AS1 (PKD1 antisense RNA 1; plus strand). Cytogenetic location: 16p13.3.
Variant type: single nucleotide variant.
Coding change: c.11665G>T on transcript NM_001009944.3 (MANE Select); coding-DNA position 11665, G replaced by T.
Protein change: p.Ala3889Ser; replaces alanine 3889 with serine.
Molecular consequence: missense variant. On other transcripts: non-coding transcript variant (1).
Genome position (GRCh38, 1-based): chr16:2,091,470, C>A on the plus strand (G>T on the coding strand, the complement: PKD1 is on the minus strand). VCF-style: chr16-2091470-C-A. GRCh37 (hg19) VCF-style: chr16-2141471-C-A.
Other names: c.11662G>T, p.Ala3888Ser (NM_000296.4); short protein forms A3888S, A3889S.
Identifiers: ClinVar variation 2329561 (VCV002329561.3), dbSNP rs1300036375, ClinGen allele CA394331716.
Genomic context (GRCh38, chr16:2,091,470, plus strand): 5'-GGGACGGGCGTACCGAGGTGAGCAGAGGCAGCGAGAGGCCCGCGCTGAGGCGGCGCAGCG[C>A]AAAGGGGCGGACGCTGAGGGCGGCCAGGGCGCGGCCGGCCGCCGGGAACTCGAGGCGCAG-3'
Protein context (NP_001009944.3, residues 3879-3899): ALAALSVRPF[Ala3889Ser]LRRLSAGLSL

ClinVar aggregate classification (germline): Uncertain significance. Review status: criteria provided, single submitter (1 of 4 stars). 2 submissions from 2 submitters: Uncertain significance (1). 1 of the submissions does not count toward it. Last evaluated 2022-11-23.

Conditions:
Inborn genetic diseases. Identifiers: MedGen C0950123, MeSH D030342.
PKD1-related disorder. Also called: PKD1-related condition.

gnomAD v4.1: 19 of 1,328,698 alleles (0.0014%); highest among the groups gnomAD compares: Non-Finnish European, 0.0018%; no homozygotes.

Submissions (2):

Ambry Genetics
Classification: Uncertain significance for Inborn genetic diseases. Last evaluated: 2022-11-23. Review status: criteria provided, single submitter. Criteria: Ambry Variant Classification Scheme 2023. Collection method: clinical testing. Allele origin: germline.

PreventionGenetics, part of Exact Sciences
Classification: Uncertain significance for PKD1-related condition. Last evaluated: 2024-05-10. Review status: no assertion criteria provided. Collection method: clinical testing. Allele origin: germline. Not counted in ClinVar's aggregate classification.
Comment: The PKD1 c.11665G>T variant is predicted to result in the amino acid substitution p.Ala3889Ser. This variant has been reported in an individual with atypical autosomal dominant polycystic kidney disease (Chang et al 2022. PubMed ID: 36573973). This variant is reported in 0.020% of alleles in individuals of South Asian descent in gnomAD. At this time, the clinical significance of this variant is uncertain due to the absence of conclusive functional and genetic evidence.